The following is an entry in ClinVar:

ClinVar aggregate classification (germline): Uncertain significance (1 of 4 stars; one submission).

Submission:

GeneDx
Classification: Uncertain significance. Last evaluated: 2024-10-07. Review status: criteria provided, single submitter. Criteria: GeneDx Variant Classification Process June 2021. Collection method: clinical testing. Allele origin: germline. Affected: yes.
Comment: Not observed at significant frequency in large population cohorts (gnomAD); In silico analysis indicates that this missense variant does not alter protein structure/function; Has not been previously published as pathogenic or benign to our knowledge

NM_004068.4(AP2M1):c.1013T>G (p.Met338Arg)

Gene: AP2M1 (adaptor related protein complex 2 subunit mu 1; plus strand). Cytogenetic location: 3q27.1.
Variant type: single nucleotide variant.
Coding change: c.1013T>G on transcript NM_004068.4 (MANE Select); coding-DNA position 1013, T replaced by G.
Protein change: p.Met338Arg; replaces methionine 338 with arginine.
Molecular consequence: missense variant.
Genome position (GRCh38, 1-based): chr3:184,182,200, T>G. VCF-style: chr3-184182200-T-G. GRCh37 (hg19) VCF-style: chr3-183899988-T-G.
Other names: c.1007T>G, p.Met336Arg (NM_001025205.2); c.1088T>G, p.Met363Arg (NM_001311198.2); short protein forms M336R, M338R, M363R.
Identifiers: ClinVar variation 3776608 (VCV003776608.1).
Genomic context (GRCh38, chr3:184,182,200, plus strand): 5'-GTCACTTCTAGGTGAGGATCCCAACCCCACTGAACACAAGCGGGGTGCAGGTGATCTGCA[T>G]GAAGGGGAAGGCCAAGTACAAGGCCAGCGAGAATGCCATCGTGTGGAAGTGAGTCTTTCC-3'
Protein context (NP_004059.2, residues 328-348): LNTSGVQVIC[Met338Arg]KGKAKYKASE